The following is an entry in ClinVar:

NM_000329.3(RPE65):c.571A>G (p.Asn191Asp)

Gene: RPE65 (retinoid isomerohydrolase RPE65; minus strand). Cytogenetic location: 1p31.3.
Variant type: single nucleotide variant.
Coding change: c.571A>G on transcript NM_000329.3 (MANE Select); coding-DNA position 571, A replaced by G.
Protein change: p.Asn191Asp; replaces asparagine 191 with aspartic acid.
Molecular consequence: missense variant.
Genome position (GRCh38, 1-based): chr1:68,440,925, T>C on the plus strand (A>G on the coding strand, the complement: RPE65 is on the minus strand). VCF-style: chr1-68440925-T-C. GRCh37 (hg19) VCF-style: chr1-68906608-T-C.
Other names: NM_000329.3(RPE65):c.571A>G; p.Asn191Asp; short protein forms N191D.
Identifiers: ClinVar variation 973956 (VCV000973956.6), dbSNP rs1189903735, ClinGen allele CA340747062.

ClinVar aggregate classification (germline): Likely pathogenic. Review status: reviewed by expert panel (3 of 4 stars). 4 submissions from 4 submitters: Likely pathogenic (1). 3 of the submissions do not count toward it. Last evaluated 2025-06-30.

Conditions:
RPE65-related recessive retinopathy. Also called: Recessive RPE65 retinopathy. Identifiers: MedGen CN305526, MONDO:0100368.
Leber congenital amaurosis 2 (LCA2). Also called: Autosomal Recessive RPE65-Related Retinal Degeneration; AMAUROSIS CONGENITA OF LEBER II. Identifiers: Orphanet 65, MedGen C1859844, MONDO:0008765, OMIM 204100. Disease mechanism: loss of function.
Retinitis pigmentosa 20 (RP20). Identifiers: Orphanet 791, MedGen C3151086, MONDO:0013425, OMIM 613794.

Allele frequency attached by ClinVar (database versions not stated): gnomAD exomes below 0.00001.
gnomAD v4.1: 6 of 1,614,050 alleles (0.00037%); highest among the groups gnomAD compares: Non-Finnish European, 0.00051%; no homozygotes.

Submissions (4):

ClinGen Leber Congenital Amaurosis/early Onset Retinal Dystrophy Variant Curation Expert Panel, ClinGen
Classification: Likely pathogenic for RPE65-related recessive retinopathy. Last evaluated: 2025-06-30. Review status: reviewed by expert panel. Criteria: ClinGen LCAeoRD ACMG Specifications RPE65 V1.0.0. Collection method: curation. Allele origin: germline. Inheritance: Autosomal recessive inheritance.
Comment: NM_000329.3(RPE65):c.571A>G (p.Asn191Asp) is a missense variant predicted to replace asparagine with aspartic acid at amino acid p.191. This variant is present in gnomAD v.4.1.0 at a GrpMax allele frequency of 0.000001830, with 6 alleles / 1179954 total alleles in the European (non-Finnish) population, which is lower than the ClinGen LCA / eoRD VCEP PM2_Supporting threshold of <0.0002 (PM2_Supporting). This variant has been reported in at least 1 proband with early-onset severe retinal dystrophy who was compound heterozygous with the NM_000329.3(RPE65):c.440_441del (p.Thr147ArgfsTer9) variant confirmed in trans, which was previously classified pathogenic by the ClinGen LCA / eoRD VCEP (1 total point, PMID: 40087508, PM3). At least one proband harboring this variant exhibits a phenotype including diagnosis of Leber congenital amaurosis (0.5 pts, confirmed by clinician communication) before the age of 5 years (1 pt), reduced best-corrected visual acuity (1 pt), nystagmus (1 pt), and decreased electroretinogram responses (0.5 pts), which together are specific for RPE65-related recessive retinopathy (total 4 points, PMID: 40087508, PP4). The variant has been reported to segregate with childhood-onset severe retinal dystrophy through the proband plus 1 similarly affected relative, with the variant present in the compound heterozygous state (PP1; PMID: 40087508). The computational predictor REVEL gives a score of 0.935, which is above the ClinGen LCA / eoRD VCEP threshold of ≥0.773 and predicts a damaging effect on RPE65 function (PP3_Moderate). The splicing impact predictor SpliceAI gives a score of 0.01, which is below the ClinGen LCA / eoRD VCEP recommended threshold of ≥0.2 and does not strongly predict an impact on splicing. In summary, this variant meets the criteria to be classified as likely pathogenic for RPE65-related recessive retinopathy based on the ACMG/AMP criteria applied, as specified by the ClinGen LCA/eoRD VCEP: PM2_Supporting, PM3, PP1, PP3_Moderate, and PP4. (VCEP specifications version 1.0.0; date of approval 09/21/2023).

Labcorp Genetics (formerly Invitae), Labcorp
Classification: Uncertain significance for Leber congenital amaurosis 2; Retinitis pigmentosa 20. Last evaluated: 2022-11-08. Review status: criteria provided, single submitter. Criteria: Invitae Variant Classification Sherloc (09022015). Collection method: clinical testing. Allele origin: germline. Not counted in ClinVar's aggregate classification.
Comment: This sequence change replaces asparagine, which is neutral and polar, with aspartic acid, which is acidic and polar, at codon 191 of the RPE65 protein (p.Asn191Asp). In summary, the available evidence is currently insufficient to determine the role of this variant in disease. Therefore, it has been classified as a Variant of Uncertain Significance. Advanced modeling of protein sequence and biophysical properties (such as structural, functional, and spatial information, amino acid conservation, physicochemical variation, residue mobility, and thermodynamic stability) performed at Invitae indicates that this missense variant is expected to disrupt RPE65 protein function. ClinVar contains an entry for this variant (Variation ID: 973956). This variant has not been reported in the literature in individuals affected with RPE65-related conditions. This variant is present in population databases (no rsID available, gnomAD 0.0009%).

Blueprint Genetics
Classification: Uncertain significance. Last evaluated: 2021-12-24. Review status: criteria provided, single submitter. Criteria: ACMG Guidelines, 2015. Collection method: clinical testing. Allele origin: germline. Not counted in ClinVar's aggregate classification.

Laboratory of Genetics in Ophthalmology, Institut Imagine
Classification: Likely pathogenic for Leber congenital amaurosis 2. Review status: no assertion criteria provided. Collection method: research. Allele origin: inherited. Affected: yes. Observed: 1 variant allele. Not counted in ClinVar's aggregate classification.